The following is an entry in ClinVar:

NM_001007026.1(ATN1):c.1462CAG[23] (p.Gln488[23])

Genes: ATN1 (atrophin 1; plus strand), LOC109461484 (atrophin 1 repeat instability region; plus strand). Cytogenetic location: 12p13.31.
Variant type: Microsatellite.
Coding change: c.1462CAG[23] on transcript NM_001007026.1; 23 copies in a row of the 3-base unit CAG starting at c.1462.
Protein change: p.Gln488[23].
Molecular consequence: inframe insertion (on NM_001940.4).
Genome position: GRCh38, VCF-style position (the base before the change): chr12:6,936,716. GRCh37 (hg19), VCF-style position (the base before the change): chr12:7,045,879.
Other names: c.1452GCA[23], p.Gln502_His503insGlnGlnGlnGlnGlnGlnGlnGlnGlnGlnGlnGlnGlnGlnGlnGlnGlnGlnGlnGlnGlnGln (NM_001007026.2, NM_001940.4).
Identifiers: ClinVar variation 420621 (VCV000420621.1), dbSNP rs193922934, ClinGen allele CA915947879.

ClinVar aggregate classification (germline): Likely benign (1 of 4 stars; one submission).

Submission:

GeneDx
Classification: Likely benign. Last evaluated: 2016-03-12. Review status: criteria provided, single submitter. Criteria: GeneDx Variant Classification (06012015). Collection method: clinical testing. Allele origin: germline. Affected: yes.
Comment: This variant is considered likely benign or benign based on one or more of the following criteria: it is a conservative change, it occurs at a poorly conserved position in the protein, it is predicted to be benign by multiple in silico algorithms, and/or has population frequency not consistent with disease.